The following is an entry in ClinVar:

ClinVar aggregate classification (germline): Uncertain significance. Review status: criteria provided, multiple submitters, no conflicts (2 of 4 stars). 2 submissions from 2 submitters: Uncertain significance (2). Last evaluated 2024-12-02.

Conditions:
Joubert syndrome 21 (JBTS21). Identifiers: MedGen C3810212, MONDO:0014288, OMIM 615636.

Allele frequency attached by ClinVar (database versions not stated): gnomAD exomes 0.00002 and 0.00008; ExAC 0.00003; TOPMed 0.00003; gnomAD 0.00004; ESP Exome Variant Server 0.00008.
gnomAD v4.1: 116 of 1,611,118 alleles (0.0072%); highest among the groups gnomAD compares: Non-Finnish European, 0.0095%; no homozygotes.

Submissions (2):

Labcorp Genetics (formerly Invitae), Labcorp
Classification: Uncertain significance for Joubert syndrome 21. Last evaluated: 2024-12-02. Review status: criteria provided, single submitter. Criteria: Invitae Variant Classification Sherloc (09022015). Collection method: clinical testing. Allele origin: germline.
Comment: This sequence change replaces arginine, which is basic and polar, with glycine, which is neutral and non-polar, at codon 298 of the CSPP1 protein (p.Arg298Gly). This variant is present in population databases (rs374744285, gnomAD 0.004%). This variant has not been reported in the literature in individuals affected with CSPP1-related conditions. ClinVar contains an entry for this variant (Variation ID: 1357639). An algorithm developed to predict the effect of missense changes on protein structure and function (PolyPhen-2) suggests that this variant is likely to be disruptive. In summary, the available evidence is currently insufficient to determine the role of this variant in disease. Therefore, it has been classified as a Variant of Uncertain Significance.

Breakthrough Genomics
Classification: Uncertain significance. Review status: criteria provided, single submitter. Criteria: ACMG Guidelines, 2015. Collection method: not provided. Allele origin: germline. Inheritance: Autosomal recessive inheritance. Affected: yes.

NM_001382391.1(CSPP1):c.865A>G (p.Arg289Gly)

Gene: CSPP1 (centrosome and spindle pole associated protein 1; plus strand). Cytogenetic location: 8q13.1.
Variant type: single nucleotide variant.
Coding change: c.865A>G on transcript NM_001382391.1 (MANE Select); coding-DNA position 865, A replaced by G.
Protein change: p.Arg289Gly; replaces arginine 289 with glycine.
Molecular consequence: missense variant.
Genome position (GRCh38, 1-based): chr8:67,095,674, A>G. VCF-style: chr8-67095674-A-G. GRCh37 (hg19) VCF-style: chr8-68007909-A-G.
Other names: c.10A>G, p.Arg4Gly (NM_001291339.2); c.784A>G, p.Arg262Gly (NM_001363131.2, NM_001363133.2); c.865A>G, p.Arg289Gly (NM_001363132.2); c.973A>G, p.Arg325Gly (NM_001364869.1); c.892A>G, p.Arg298Gly (NM_001364870.1, NM_024790.7); short protein forms R289G, R262G, R298G, R325G, R4G.
Identifiers: ClinVar variation 1357639 (VCV001357639.7), dbSNP rs374744285, ClinGen allele CA4770373.
Genomic context (GRCh38, chr8:67,095,674, plus strand): 5'-TTTGATAGACGGTATCATAGACCAGACCAAGATCCTGAAGTAAGTGAAGAAATGGATGAG[A>G]GGTTTAGATATGAAAGTGATTTTGATAGAAGACTTTCGAGAGTGTATACAAATGACAGGT-3'
Protein context (NP_001369320.1, residues 279-299): DPEVSEEMDE[Arg289Gly]FRYESDFDRR